The following is an entry in ClinVar:

NM_002971.6(SATB1):c.1943G>C (p.Arg648Pro)

Gene: SATB1 (SATB homeobox 1; minus strand). Cytogenetic location: 3p24.3.
Variant type: single nucleotide variant.
Coding change: c.1943G>C on transcript NM_002971.6 (MANE Select); coding-DNA position 1943, G replaced by C.
Protein change: p.Arg648Pro; replaces arginine 648 with proline.
Molecular consequence: missense variant.
Genome position (GRCh38, 1-based): chr3:18,349,519, C>G on the plus strand (G>C on the coding strand, the complement: SATB1 is on the minus strand). VCF-style: chr3-18349519-C-G. GRCh37 (hg19) VCF-style: chr3-18391011-C-G.
Other names: c.1943G>C, p.Arg648Pro (NM_001131010.4, NM_001322872.2, NM_001322873.2 and 2 more transcripts); c.2039G>C, p.Arg680Pro (NM_001195470.3, NM_001322871.2); c.1727G>C, p.Arg576Pro (NM_001322876.2); short protein forms R576P, R648P, R680P.
Identifiers: ClinVar variation 4743358 (VCV004743358.1).
Genomic context (GRCh38, chr3:18,349,519, plus strand): 5'-AGGCCCACGTCTTGTATGAAACTCTGGAGGATTCCCAAGGCTTCCACTGAAATTTTTGTT[C>G]GTGGCCGGGTCTTCTGTCGGTTTTCCTCATCTGACTCTGCTGGAGAGGCCACCGTGGGTT-3'
Protein context (NP_002962.1, residues 638-658): DEENRQKTRP[Arg648Pro]TKISVEALGI

ClinVar aggregate classification (germline): Uncertain significance (1 of 4 stars; one submission).

Submission:

Labcorp Genetics (formerly Invitae), Labcorp
Classification: Uncertain significance. Last evaluated: 2025-07-16. Review status: criteria provided, single submitter. Criteria: Invitae Variant Classification Sherloc (09022015). Collection method: clinical testing. Allele origin: germline.
Comment: This sequence change replaces arginine, which is basic and polar, with proline, which is neutral and non-polar, at codon 680 of the SATB1 protein (p.Arg680Pro). This variant is not present in population databases (gnomAD no frequency). This variant has not been reported in the literature in individuals affected with SATB1-related conditions. Invitae Evidence Modeling of protein sequence and biophysical properties (such as structural, functional, and spatial information, amino acid conservation, physicochemical variation, residue mobility, and thermodynamic stability) indicates that this missense variant is not expected to disrupt SATB1 protein function with a negative predictive value of 80%. In summary, the available evidence is currently insufficient to determine the role of this variant in disease. Therefore, it has been classified as a Variant of Uncertain Significance.